The following is an entry in ClinVar:

NM_014141.6(CNTNAP2):c.3395C>G (p.Pro1132Arg)

Gene: CNTNAP2 (contactin associated protein 2; plus strand). Cytogenetic location: 7q36.1.
Variant type: single nucleotide variant.
Coding change: c.3395C>G on transcript NM_014141.6 (MANE Select); coding-DNA position 3395, C replaced by G.
Protein change: p.Pro1132Arg; replaces proline 1132 with arginine.
Molecular consequence: missense variant.
Genome position (GRCh38, 1-based): chr7:148,267,046, C>G. VCF-style: chr7-148267046-C-G. GRCh37 (hg19) VCF-style: chr7-147964138-C-G.
Other names: short protein forms P1132R.
Identifiers: ClinVar variation 849524 (VCV000849524.10), dbSNP rs769942778, ClinGen allele CA4546644.

ClinVar aggregate classification (germline): Uncertain significance. Review status: criteria provided, multiple submitters, no conflicts (2 of 4 stars). 2 submissions from 2 submitters: Uncertain significance (2). Last evaluated 2024-06-17.

Conditions:
Cortical dysplasia-focal epilepsy syndrome (PTHSL1). Also called: Pitt-Hopkins-like syndrome 1. Identifiers: Orphanet 163681, Orphanet 221150, MedGen C2750246, MONDO:0012400, OMIM 610042.

Allele frequency attached by ClinVar (database versions not stated): ExAC 0.00002; gnomAD exomes 0.00002; TOPMed 0.00002.
gnomAD v4.1: 5 of 1,614,126 alleles (0.00031%); highest among the groups gnomAD compares: Admixed American, 0.0033%; no homozygotes.

Submissions (2):

Labcorp Genetics (formerly Invitae), Labcorp
Classification: Uncertain significance for Cortical dysplasia-focal epilepsy syndrome. Last evaluated: 2024-06-17. Review status: criteria provided, single submitter. Criteria: Invitae Variant Classification Sherloc (09022015). Collection method: clinical testing. Allele origin: germline.
Comment: This sequence change replaces proline, which is neutral and non-polar, with arginine, which is basic and polar, at codon 1132 of the CNTNAP2 protein (p.Pro1132Arg). This variant is present in population databases (rs769942778, gnomAD 0.006%). This variant has not been reported in the literature in individuals affected with CNTNAP2-related conditions. ClinVar contains an entry for this variant (Variation ID: 849524). An algorithm developed to predict the effect of missense changes on protein structure and function (PolyPhen-2) suggests that this variant is likely to be disruptive. In summary, the available evidence is currently insufficient to determine the role of this variant in disease. Therefore, it has been classified as a Variant of Uncertain Significance.

GeneDx
Classification: Uncertain significance. Last evaluated: 2022-02-11. Review status: criteria provided, single submitter. Criteria: GeneDx Variant Classification Process June 2021. Collection method: clinical testing. Allele origin: germline. Affected: yes.
Comment: Not observed at significant frequency in large population cohorts (gnomAD); In silico analysis supports that this missense variant has a deleterious effect on protein structure/function; Has not been previously published as pathogenic or benign to our knowledge